The following is an entry in ClinVar:

ClinVar aggregate classification (germline): Conflicting classifications of pathogenicity. Review status: criteria provided, conflicting classifications (1 of 4 stars). 4 submissions from 4 submitters: Uncertain significance (1); Likely benign (3). Last evaluated 2025-04-13.

Conditions:
Primary dilated cardiomyopathy (DCM). Also called: Dilated Cardiomyopathy. Identifiers: Orphanet 217604, MedGen C0007193, MeSH D002311, MONDO:0005021, HP:0001644. Inheritance: Various modes of inheritance.
Cardiovascular phenotype. Identifiers: MedGen CN230736.

Allele frequency attached by ClinVar (database versions not stated): ExAC 0.00004; TOPMed 0.00004; gnomAD 0.00005 and 0.00006.
gnomAD v4.1: 84 of 1,558,998 alleles (0.0054%); highest among the groups gnomAD compares: South Asian, 0.0059%; no homozygotes.

Submissions (4):

Labcorp Genetics (formerly Invitae), Labcorp
Classification: Likely benign for Primary dilated cardiomyopathy. Last evaluated: 2025-04-13. Review status: criteria provided, single submitter. Criteria: Invitae Variant Classification Sherloc (09022015). Collection method: clinical testing. Allele origin: germline.

Blueprint Genetics
Classification: Uncertain significance. Last evaluated: 2024-11-26. Review status: criteria provided, single submitter. Criteria: ACMG Guidelines, 2015. Collection method: clinical testing. Allele origin: germline.

GeneDx
Classification: Likely benign. Last evaluated: 2016-11-14. Review status: criteria provided, single submitter. Criteria: GeneDx Variant Classification (06012015). Collection method: clinical testing. Allele origin: germline. Affected: yes.
Comment: This variant is considered likely benign or benign based on one or more of the following criteria: it is a conservative change, it occurs at a poorly conserved position in the protein, it is predicted to be benign by multiple in silico algorithms, and/or has population frequency not consistent with disease.

Ambry Genetics
Classification: Likely benign for Cardiovascular phenotype. Last evaluated: 2015-07-21. Review status: criteria provided, single submitter. Criteria: Ambry Variant Classification Scheme 2023. Collection method: clinical testing. Allele origin: germline.

NM_006440.5(TXNRD2):c.174C>T (p.Ala58=)

Gene: TXNRD2 (thioredoxin reductase 2; minus strand). Cytogenetic location: 22q11.21.
Variant type: single nucleotide variant.
Coding change: c.174C>T on transcript NM_006440.5 (MANE Select); coding-DNA position 174, C replaced by T.
Protein change: p.Ala58=; no amino-acid change (alanine 58 retained).
Molecular consequence: synonymous variant. On other transcripts: 5 prime UTR variant (1).
Genome position (GRCh38, 1-based): chr22:19,919,598, G>A on the plus strand (C>T on the coding strand, the complement: TXNRD2 is on the minus strand). VCF-style: chr22-19919598-G-A. GRCh37 (hg19) VCF-style: chr22-19907121-G-A.
Other names: c.174C>T, p.Ala58= (NM_001282512.3); c.171C>T, p.Ala57= (NM_001352300.2); c.84C>T, p.Ala28= (NM_001352301.2); c.-115C>T (NM_001352302.2); c.78C>T, p.Ala26= (NM_001352303.2).
Identifiers: ClinVar variation 222881 (VCV000222881.15), dbSNP rs767236339, ClinGen allele CA080317.